The following is an entry in ClinVar:

NM_000081.4(LYST):c.109A>G (p.Thr37Ala)

Gene: LYST (lysosomal trafficking regulator; minus strand). Cytogenetic location: 1q42.3.
Variant type: single nucleotide variant.
Coding change: c.109A>G on transcript NM_000081.4 (MANE Select); coding-DNA position 109, A replaced by G.
Protein change: p.Thr37Ala; replaces threonine 37 with alanine.
Molecular consequence: missense variant. On other transcripts: non-coding transcript variant (1).
Genome position (GRCh38, 1-based): chr1:235,830,309, T>C on the plus strand (A>G on the coding strand, the complement: LYST is on the minus strand). VCF-style: chr1-235830309-T-C. GRCh37 (hg19) VCF-style: chr1-235993609-T-C.
Other names: c.109A>G, p.Thr37Ala (NM_001301365.1); c.109A>G (NM_000081.2); short protein forms T37A.
Identifiers: ClinVar variation 1467237 (VCV001467237.16), dbSNP rs776142039, ClinGen allele CA1467729.

ClinVar aggregate classification (germline): Uncertain significance. Review status: criteria provided, multiple submitters, no conflicts (2 of 4 stars). 5 submissions from 5 submitters: Uncertain significance (5). Last evaluated 2026-09-10.

Conditions:
Inborn genetic diseases. Identifiers: MedGen C0950123, MeSH D030342.
Chédiak-Higashi syndrome (CHS). Also called: Chediak-Higashi Syndrome. Identifiers: Orphanet 167, MedGen C0007965, MONDO:0008963, OMIM 214500.

Allele frequency attached by ClinVar (database versions not stated): gnomAD 0.00001; gnomAD exomes 0.00002; ExAC 0.00003; TOPMed 0.00004.
gnomAD v4.1: 29 of 1,613,838 alleles (0.0018%); highest among the groups gnomAD compares: Admixed American, 0.012%; no homozygotes.

Submissions (5):

Ambry Genetics
Classification: Uncertain significance for Inborn genetic diseases. Last evaluated: 2026-09-10. Review status: criteria provided, single submitter. Criteria: Ambry Variant Classification Scheme 2023. Collection method: clinical testing. Allele origin: germline.
Comment: The c.109A>G (p.T37A) alteration is located in exon 3 (coding exon 1) of the LYST gene. This alteration results from a A to G substitution at nucleotide position 109, causing the threonine (T) at amino acid position 37 to be replaced by an alanine (A). Based on data from gnomAD, the G allele has an overall frequency of 0.003% (9/282598) total alleles studied. The highest observed frequency was 0.017% (6/35422) of Latino alleles. Based on insufficient or conflicting evidence, the clinical significance of this alteration remains unclear.

CeGaT Center for Human Genetics Tuebingen
Classification: Uncertain significance. Last evaluated: 2025-06-01. Review status: criteria provided, single submitter. Criteria: CeGaT Center For Human Genetics Tuebingen Variant Classification Criteria Version 2. Collection method: clinical testing. Allele origin: germline. Affected: yes. Observed: 2 variant alleles.
Comment: LYST: PM2, PM3, BP1, BP4

Labcorp Genetics (formerly Invitae), Labcorp
Classification: Uncertain significance for Chédiak-Higashi syndrome. Last evaluated: 2022-08-19. Review status: criteria provided, single submitter. Criteria: Invitae Variant Classification Sherloc (09022015). Collection method: clinical testing. Allele origin: germline.
Comment: This sequence change replaces threonine, which is neutral and polar, with alanine, which is neutral and non-polar, at codon 37 of the LYST protein (p.Thr37Ala). This variant is present in population databases (rs776142039, gnomAD 0.02%). This variant has not been reported in the literature in individuals affected with LYST-related conditions. ClinVar contains an entry for this variant (Variation ID: 1467237). Algorithms developed to predict the effect of missense changes on protein structure and function are either unavailable or do not agree on the potential impact of this missense change (SIFT: "Tolerated"; PolyPhen-2: "Possibly Damaging"; Align-GVGD: "Class C0"). In summary, the available evidence is currently insufficient to determine the role of this variant in disease. Therefore, it has been classified as a Variant of Uncertain Significance.

Fulgent Genetics
Classification: Uncertain significance for Chédiak-Higashi syndrome. Last evaluated: 2021-07-04. Review status: criteria provided, single submitter. Criteria: ACMG Guidelines, 2015. Collection method: clinical testing. Allele origin: unknown.

Revvity Omics, Revvity
Classification: Uncertain significance for Chédiak-Higashi syndrome. Last evaluated: 2019-05-02. Review status: criteria provided, single submitter. Criteria: ACMG Guidelines, 2015. Collection method: clinical testing. Allele origin: germline.